The following is an entry in ClinVar:

ClinVar aggregate classification (germline): Uncertain significance (1 of 4 stars; one submission).

Submission:

GeneDx
Classification: Uncertain significance. Last evaluated: 2023-06-01. Review status: criteria provided, single submitter. Criteria: GeneDx Variant Classification Process June 2021. Collection method: clinical testing. Allele origin: germline. Affected: yes.
Comment: In silico analysis supports that this missense variant does not alter protein structure/function; Has not been previously published as pathogenic or benign to our knowledge

NM_031407.7(HUWE1):c.10555G>C (p.Ala3519Pro)

Gene: HUWE1 (HECT, UBA and WWE domain containing E3 ubiquitin protein ligase 1; minus strand). Cytogenetic location: Xp11.22.
Variant type: single nucleotide variant.
Coding change: c.10555G>C on transcript NM_031407.7 (MANE Select); coding-DNA position 10555, G replaced by C.
Protein change: p.Ala3519Pro; replaces alanine 3519 with proline.
Molecular consequence: missense variant.
Genome position (GRCh38, 1-based): chrX:53,547,754, C>G on the plus strand (G>C on the coding strand, the complement: HUWE1 is on the minus strand). VCF-style: chrX-53547754-C-G. GRCh37 (hg19) VCF-style: chrX-53574715-C-G.
Other names: short protein forms A3519P.
Identifiers: ClinVar variation 2504296 (VCV002504296.1), dbSNP rs1556924237, ClinGen allele CA413135343.